The following is an entry in ClinVar:

NM_006662.3(SRCAP):c.3343C>G (p.Arg1115Gly)

Gene: SRCAP (Snf2 related CREBBP activator protein; plus strand). Cytogenetic location: 16p11.2.
Variant type: single nucleotide variant.
Coding change: c.3343C>G on transcript NM_006662.3 (MANE Select); coding-DNA position 3343, C replaced by G.
Protein change: p.Arg1115Gly; replaces arginine 1115 with glycine.
Molecular consequence: missense variant.
Genome position (GRCh38, 1-based): chr16:30,721,278, C>G. VCF-style: chr16-30721278-C-G. GRCh37 (hg19) VCF-style: chr16-30732599-C-G.
Other names: short protein forms R1115G.
Identifiers: ClinVar variation 3005568 (VCV003005568.3), dbSNP rs781603720, ClinGen allele CA395613795.

ClinVar aggregate classification (germline): Uncertain significance (1 of 4 stars; one submission).

gnomAD v4.1: 17 of 1,614,118 alleles (0.0011%); highest among the groups gnomAD compares: Non-Finnish European, 0.0014%; no homozygotes.

Submission:

Labcorp Genetics (formerly Invitae), Labcorp
Classification: Uncertain significance. Last evaluated: 2023-11-25. Review status: criteria provided, single submitter. Criteria: Invitae Variant Classification Sherloc (09022015). Collection method: clinical testing. Allele origin: germline.
Comment: This sequence change replaces arginine, which is basic and polar, with glycine, which is neutral and non-polar, at codon 1115 of the SRCAP protein (p.Arg1115Gly). This variant is not present in population databases (gnomAD no frequency). This variant has not been reported in the literature in individuals affected with SRCAP-related conditions. Advanced modeling of protein sequence and biophysical properties (such as structural, functional, and spatial information, amino acid conservation, physicochemical variation, residue mobility, and thermodynamic stability) performed at Invitae indicates that this missense variant is not expected to disrupt SRCAP protein function with a negative predictive value of 80%. In summary, the available evidence is currently insufficient to determine the role of this variant in disease. Therefore, it has been classified as a Variant of Uncertain Significance.